The following is an entry in ClinVar:

NM_016222.4(DDX41):c.292G>A (p.Ala98Thr)

Gene: DDX41 (DEAD-box helicase 41; minus strand). Cytogenetic location: 5q35.3.
Variant type: single nucleotide variant.
Coding change: c.292G>A on transcript NM_016222.4 (MANE Select); coding-DNA position 292, G replaced by A.
Protein change: p.Ala98Thr; replaces alanine 98 with threonine.
Molecular consequence: missense variant. On other transcripts: 5 prime UTR variant (2).
Genome position (GRCh38, 1-based): chr5:177,516,294, C>T on the plus strand (G>A on the coding strand, the complement: DDX41 is on the minus strand). VCF-style: chr5-177516294-C-T. GRCh37 (hg19) VCF-style: chr5-176943295-C-T.
Other names: c.-87G>A (NM_001321732.2, NM_001321830.2); short protein forms A98T.
Identifiers: ClinVar variation 2789546 (VCV002789546.3), dbSNP rs2532089923, ClinGen allele CA362377019.

ClinVar aggregate classification (germline): Uncertain significance (1 of 4 stars; one submission).

Submission:

Labcorp Genetics (formerly Invitae), Labcorp
Classification: Uncertain significance. Last evaluated: 2022-11-19. Review status: criteria provided, single submitter. Criteria: Invitae Variant Classification Sherloc (09022015). Collection method: clinical testing. Allele origin: germline.
Comment: Algorithms developed to predict the effect of missense changes on protein structure and function are either unavailable or do not agree on the potential impact of this missense change (SIFT: "Not Available"; PolyPhen-2: "Probably Damaging"; Align-GVGD: "Not Available"). In summary, the available evidence is currently insufficient to determine the role of this variant in disease. Therefore, it has been classified as a Variant of Uncertain Significance. This sequence change replaces alanine, which is neutral and non-polar, with threonine, which is neutral and polar, at codon 98 of the DDX41 protein (p.Ala98Thr). This variant is not present in population databases (gnomAD no frequency). This variant has not been reported in the literature in individuals affected with DDX41-related conditions.